The following is an entry in ClinVar:

NM_013382.7(POMT2):c.1568A>G (p.Asn523Ser)

Gene: POMT2 (protein O-mannosyltransferase 2; minus strand). Cytogenetic location: 14q24.3.
Variant type: single nucleotide variant.
Coding change: c.1568A>G on transcript NM_013382.7 (MANE Select); coding-DNA position 1568, A replaced by G.
Protein change: p.Asn523Ser; replaces asparagine 523 with serine.
Molecular consequence: missense variant.
Genome position (GRCh38, 1-based): chr14:77,284,958, T>C on the plus strand (A>G on the coding strand, the complement: POMT2 is on the minus strand). VCF-style: chr14-77284958-T-C. GRCh37 (hg19) VCF-style: chr14-77751301-T-C.
Other names: short protein forms N523S.
Identifiers: ClinVar variation 1015560 (VCV001015560.6), dbSNP rs886042386, ClinGen allele CA390516745.

ClinVar aggregate classification (germline): Uncertain significance (1 of 4 stars; one submission).

Conditions:
Muscular dystrophy-dystroglycanopathy (congenital with brain and eye anomalies), type A2. Also called: MUSCULAR DYSTROPHY-DYSTROGLYCANOPATHY (CONGENITAL WITH BRAIN AND EYE ANOMALIES), TYPE A, 2; WALKER-WARBURG SYNDROME OR MUSCLE-EYE-BRAIN DISEASE, POMT2-RELATED. Identifiers: Orphanet 588, Orphanet 899, MedGen C3150411, MONDO:0013154, OMIM 613150.
Muscular dystrophy-dystroglycanopathy (congenital with impaired intellectual development), type B, 2. Also called: MUSCULAR DYSTROPHY, CONGENITAL, POMT2-RELATED; Muscular dystrophy-dystroglycanopathy (congenital with intellectual disability), type B2. Identifiers: MedGen C3150416, MONDO:0013160, OMIM 613156.
Autosomal recessive limb-girdle muscular dystrophy type 2N. Also called: Muscular dystrophy-dystroglycanopathy (limb-girdle), type C, 2; MUSCULAR DYSTROPHY-DYSTROGLYCANOPATHY, LIMB-GIRDLE, POMT2-RELATED. Identifiers: Orphanet 206559, MedGen C3150418, MONDO:0013162, OMIM 613158.

Allele frequency attached by ClinVar (database versions not stated): TOPMed below 0.00001.

Submission:

Labcorp Genetics (formerly Invitae), Labcorp
Classification: Uncertain significance for Muscular dystrophy-dystroglycanopathy (congenital with impaired intellectual development), type B, 2; Muscular dystrophy-dystroglycanopathy (congenital with brain and eye anomalies), type A2; Autosomal recessive limb-girdle muscular dystrophy type 2N. Last evaluated: 2021-09-02. Review status: criteria provided, single submitter. Criteria: Invitae Variant Classification Sherloc (09022015). Collection method: clinical testing. Allele origin: germline.
Comment: This sequence change replaces asparagine with serine at codon 523 of the POMT2 protein (p.Asn523Ser). The asparagine residue is highly conserved and there is a small physicochemical difference between asparagine and serine. This variant is not present in population databases (ExAC no frequency). This variant has not been reported in the literature in individuals affected with POMT2-related conditions. Algorithms developed to predict the effect of missense changes on protein structure and function are either unavailable or do not agree on the potential impact of this missense change (SIFT: "Deleterious"; PolyPhen-2: "Possibly Damaging"; Align-GVGD: "Class C0"). In summary, the available evidence is currently insufficient to determine the role of this variant in disease. Therefore, it has been classified as a Variant of Uncertain Significance.